The following is an entry in ClinVar:

NM_005732.4(RAD50):c.121G>A (p.Gly41Arg)

Gene: RAD50 (RAD50 double strand break repair protein; plus strand). Cytogenetic location: 5q31.1.
Variant type: single nucleotide variant.
Coding change: c.121G>A on transcript NM_005732.4 (MANE Select); coding-DNA position 121, G replaced by A.
Protein change: p.Gly41Arg; replaces glycine 41 with arginine.
Molecular consequence: missense variant.
Genome position (GRCh38, 1-based): chr5:132,557,445, G>A. VCF-style: chr5-132557445-G-A. GRCh37 (hg19) VCF-style: chr5-131893137-G-A.
Other names: short protein forms G41R.
Identifiers: ClinVar variation 480453 (VCV000480453.8), dbSNP rs1554096658, ClinGen allele CA360951909.

ClinVar aggregate classification (germline): Uncertain significance. Review status: criteria provided, multiple submitters, no conflicts (2 of 4 stars). 2 submissions from 2 submitters: Uncertain significance (2). Last evaluated 2023-03-08.

Conditions:
Hereditary cancer-predisposing syndrome. Also called: Hereditary Cancer Syndrome; Neoplastic Syndromes, Hereditary; Tumor predisposition; Hereditary neoplastic syndrome. Identifiers: Orphanet 140162, MedGen C0027672, MeSH D009386, MONDO:0015356.

Allele frequency attached by ClinVar (database versions not stated): gnomAD exomes below 0.00001.

Submissions (2):

Labcorp Genetics (formerly Invitae), Labcorp
Classification: Uncertain significance for Hereditary cancer-predisposing syndrome. Last evaluated: 2023-03-08. Review status: criteria provided, single submitter. Criteria: Invitae Variant Classification Sherloc (09022015). Collection method: clinical testing. Allele origin: germline.
Comment: This sequence change replaces glycine, which is neutral and non-polar, with arginine, which is basic and polar, at codon 41 of the RAD50 protein (p.Gly41Arg). This variant is not present in population databases (gnomAD no frequency). This variant has not been reported in the literature in individuals affected with RAD50-related conditions. ClinVar contains an entry for this variant (Variation ID: 480453). Advanced modeling of protein sequence and biophysical properties (such as structural, functional, and spatial information, amino acid conservation, physicochemical variation, residue mobility, and thermodynamic stability) performed at Invitae indicates that this missense variant is expected to disrupt RAD50 protein function. In summary, the available evidence is currently insufficient to determine the role of this variant in disease. Therefore, it has been classified as a Variant of Uncertain Significance.

Ambry Genetics
Classification: Uncertain significance for Hereditary cancer-predisposing syndrome. Last evaluated: 2016-08-17. Review status: criteria provided, single submitter. Criteria: Ambry Variant Classification Scheme 2023. Collection method: clinical testing. Allele origin: germline.
Comment: The p.G41R variant (also known as c.121G>A), located in coding exon 1 of the RAD50 gene, results from a G to A substitution at nucleotide position 121. The glycine at codon 41 is replaced by arginine, an amino acid with dissimilar properties. This variant was not reported in population based cohorts in the following databases: Database of Single Nucleotide Polymorphisms (dbSNP), NHLBI Exome Sequencing Project (ESP), and 1000 Genomes Project. In the ESP, this variant was not observed in 6503 samples (13006 alleles) with coverage at this position. To date, this alteration has been detected with an allele frequency of approximately 0.001% (greater than 175000 alleles tested) in our clinical cohort. This amino acid position is highly conserved in available vertebrate species. In addition, this alteration is predicted to be deleterious by in silico analysis. Since supporting evidence is limited at this time, the clinical significance of this alteration remains unclear.